The following is an entry in ClinVar:

ClinVar aggregate classification (germline): Uncertain significance (1 of 4 stars; one submission).

Conditions:
Supravalvar aortic stenosis (SVAS). Also called: Supravalvar aortic stenosis, Eisenberg type. Identifiers: Orphanet 3193, MedGen C0003499, MONDO:0008504, OMIM 185500, HP:0004381.

Allele frequency attached by ClinVar (database versions not stated): gnomAD 0.00002; TOPMed 0.00003; ExAC 0.00006.
gnomAD v4.1: 35 of 1,497,252 alleles (0.0023%); highest among the groups gnomAD compares: Admixed American, 0.023%; no homozygotes.

Submission:

Labcorp Genetics (formerly Invitae), Labcorp
Classification: Uncertain significance for Supravalvar aortic stenosis. Last evaluated: 2026-01-21. Review status: criteria provided, single submitter. Criteria: Invitae Variant Classification Sherloc (09022015). Collection method: clinical testing. Allele origin: germline.
Comment: This sequence change falls in intron 21 of the ELN gene. It does not directly change the encoded amino acid sequence of the ELN protein. It affects a nucleotide within the consensus splice site. This variant is present in population databases (rs782509254, gnomAD 0.02%). This variant has not been reported in the literature in individuals affected with ELN-related conditions. ClinVar contains an entry for this variant (Variation ID: 2150902). Variants that disrupt the consensus splice site are a relatively common cause of aberrant splicing (PMID: 17576681, 9536098). Algorithms developed to predict the effect of sequence changes on RNA splicing suggest that this variant is not likely to affect RNA splicing. In summary, the available evidence is currently insufficient to determine the role of this variant in disease. Therefore, it has been classified as a Variant of Uncertain Significance.

Literature cited by the submitters: PubMed 17576681; PubMed 9536098.

NM_000501.4(ELN):c.1358-261G>A

Gene: ELN (elastin; plus strand). Cytogenetic location: 7q11.23.
Variant type: single nucleotide variant.
Coding change: c.1358-261G>A on transcript NM_000501.4 (MANE Select); 261 bases into the intron before coding-DNA position 1358, G replaced by A.
Molecular consequence: intron variant.
Genome position (GRCh38, 1-based): chr7:74,057,379, G>A. VCF-style: chr7-74057379-G-A. GRCh37 (hg19) VCF-style: chr7-73471709-G-A.
Other names: c.1373-261G>A (NM_001081754.3); c.1372+666G>A (NM_001081753.3); c.1358-3G>A (NM_001278939.2); c.1358-261G>A (NM_001278915.2, NM_001278912.2); c.1357+666G>A (NM_001081755.3); c.1315+666G>A (NM_001278916.2); c.1171+666G>A (NM_001278913.2); c.1342+666G>A (NM_001278914.2); and 3 more.
Identifiers: ClinVar variation 2150902 (VCV002150902.4), dbSNP rs782509254, ClinGen allele CA4292973.